The following is an entry in ClinVar:

NM_144973.4(DENND5B):c.3470A>T (p.Lys1157Ile)

Gene: DENND5B (DENN domain containing 5B; minus strand). Cytogenetic location: 12p11.21.
Variant type: single nucleotide variant.
Coding change: c.3470A>T on transcript NM_144973.4 (MANE Select); coding-DNA position 3470, A replaced by T.
Protein change: p.Lys1157Ile; replaces lysine 1157 with isoleucine.
Molecular consequence: missense variant.
Genome position (GRCh38, 1-based): chr12:31,389,495, T>A on the plus strand (A>T on the coding strand, the complement: DENND5B is on the minus strand). VCF-style: chr12-31389495-T-A. GRCh37 (hg19) VCF-style: chr12-31542429-T-A.
Other names: c.3575A>T, p.Lys1192Ile (NM_001308339.2); short protein forms K1157I, K1192I.
Identifiers: ClinVar variation 3367291 (VCV003367291.1).

ClinVar aggregate classification (germline): Uncertain significance (1 of 4 stars; one submission).

Submission:

GeneDx
Classification: Uncertain significance. Last evaluated: 2023-12-26. Review status: criteria provided, single submitter. Criteria: GeneDx Variant Classification Process June 2021. Collection method: clinical testing. Allele origin: germline. Affected: yes.
Comment: Not observed at significant frequency in large population cohorts (gnomAD); In silico analysis supports that this missense variant has a deleterious effect on protein structure/function; Has not been previously published as pathogenic or benign to our knowledge; Variants in candidate genes are classified as variants of uncertain significance in accordance with ACMG guidelines (PMID: 25741868)